The following is an entry in ClinVar:

ClinVar aggregate classification (germline): Benign. Review status: criteria provided, single submitter (1 of 4 stars). 2 submissions from 2 submitters: Benign (1). 1 of the submissions does not count toward it. Last evaluated 2022-09-29.

Conditions:
HRG-related disorder. Also called: HRG-related condition.

Allele frequency attached by ClinVar (database versions not stated): gnomAD exomes 0.12309; ExAC 0.12956; gnomAD 0.14713; ESP Exome Variant Server 0.15293; 1000 Genomes Project 0.13518; 1000 Genomes Project 30x 0.13538; TOPMed 0.15257.
gnomAD v4.1: 202,863 of 1,613,262 alleles (13%); highest among the groups gnomAD compares: African/African-American, 22%; 13,574 homozygotes.

Submissions (2):

Mayo Clinic Laboratories, Mayo Clinic
Classification: Benign. Last evaluated: 2022-09-29. Review status: criteria provided, single submitter. Criteria: ACMG Guidelines, 2015. Collection method: clinical testing. Allele origin: germline. Observed: 18 variant alleles.

PreventionGenetics, part of Exact Sciences
Classification: Benign for HRG-related condition. Last evaluated: 2019-10-22. Review status: no assertion criteria provided. Collection method: clinical testing. Allele origin: germline. Not counted in ClinVar's aggregate classification.
Comment: This variant is classified as benign based on ACMG/AMP sequence variant interpretation guidelines (Richards et al. 2015 PMID: 25741868, with internal and published modifications).

NM_000412.5(HRG):c.539T>C (p.Ile180Thr)

Gene: HRG (histidine rich glycoprotein; plus strand). Cytogenetic location: 3q27.3.
Variant type: single nucleotide variant.
Coding change: c.539T>C on transcript NM_000412.5 (MANE Select); coding-DNA position 539, T replaced by C.
Protein change: p.Ile180Thr; replaces isoleucine 180 with threonine.
Molecular consequence: missense variant.
Genome position (GRCh38, 1-based): chr3:186,671,770, T>C. VCF-style: chr3-186671770-T-C. GRCh37 (hg19) VCF-style: chr3-186389559-T-C.
Other names: p.Ile180Thr; short protein forms I180T.
Identifiers: ClinVar variation 3059025 (VCV003059025.3), dbSNP rs10770, ClinGen allele CA2745679.
Genomic context (GRCh38, chr3:186,671,770, plus strand): 5'-AAGCCCTTGAGAAGTACAAAGAGGAGAATGATGACTTTGCCTCTTTCAGAGTGGACCGAA[T>C]CGAGAGAGTTGCAAGAGTGGTGAGTCTCCACTAAGGTTCGGTTGGAGTCTGAAGGCCCAG-3'
Protein context (NP_000403.1, residues 170-190): DDFASFRVDR[Ile180Thr]ERVARVRGGE